The following is an entry in ClinVar:

NM_001394062.1(MACF1):c.11755C>T (p.Arg3919Trp)

Gene: MACF1 (microtubule actin crosslinking factor 1; plus strand). Cytogenetic location: 1p34.3.
Variant type: single nucleotide variant.
Coding change: c.11755C>T on transcript NM_001394062.1 (MANE Select); coding-DNA position 11755, C replaced by T.
Protein change: p.Arg3919Trp; replaces arginine 3919 with tryptophan.
Molecular consequence: missense variant.
Genome position (GRCh38, 1-based): chr1:39,357,705, C>T. VCF-style: chr1-39357705-C-T. GRCh37 (hg19) VCF-style: chr1-39823377-C-T.
Other names: c.5569C>T, p.Arg1857Trp (NM_012090.5); short protein forms R1857W, R3919W.
Identifiers: ClinVar variation 2375684 (VCV002375684.6), dbSNP rs145899609, ClinGen allele CA781662.

ClinVar aggregate classification (germline): Conflicting classifications of pathogenicity. Review status: criteria provided, conflicting classifications (1 of 4 stars). 3 submissions from 3 submitters: Uncertain significance (1); Likely benign (2). Last evaluated 2024-09-16.

Conditions:
Inborn genetic diseases. Identifiers: MedGen C0950123, MeSH D030342.

Allele frequency attached by ClinVar (database versions not stated): gnomAD exomes 0.00006; ExAC 0.00011; gnomAD 0.00019; ESP Exome Variant Server 0.00038.
gnomAD v4.1: 120 of 1,614,024 alleles (0.0074%); highest among the groups gnomAD compares: African/African-American, 0.036%; no homozygotes.

Submissions (3):

Blueprint Genetics
Classification: Likely benign. Last evaluated: 2024-09-16. Review status: criteria provided, single submitter. Criteria: ACMG Guidelines, 2015. Collection method: clinical testing. Allele origin: germline.

Labcorp Genetics (formerly Invitae), Labcorp
Classification: Uncertain significance. Last evaluated: 2023-04-09. Review status: criteria provided, single submitter. Criteria: Invitae Variant Classification Sherloc (09022015). Collection method: clinical testing. Allele origin: germline.
Comment: ClinVar contains an entry for this variant (Variation ID: 2375684). In summary, the available evidence is currently insufficient to determine the role of this variant in disease. Therefore, it has been classified as a Variant of Uncertain Significance. An algorithm developed to predict the effect of missense changes on protein structure and function (PolyPhen-2) suggests that this variant is likely to be disruptive. This variant has not been reported in the literature in individuals affected with MACF1-related conditions. This variant is present in population databases (rs145899609, gnomAD 0.06%), and has an allele count higher than expected for a pathogenic variant. This sequence change replaces arginine, which is basic and polar, with tryptophan, which is neutral and slightly polar, at codon 1857 of the MACF1 protein (p.Arg1857Trp).

Ambry Genetics
Classification: Likely benign for Inborn genetic diseases. Last evaluated: 2021-06-08. Review status: criteria provided, single submitter. Criteria: Ambry Variant Classification Scheme 2023. Collection method: clinical testing. Allele origin: germline.